The following is an entry in ClinVar:

NM_007259.5(VPS45):c.1186G>A (p.Glu396Lys)

Gene: VPS45 (vacuolar protein sorting 45 homolog; plus strand). Cytogenetic location: 1q21.2.
Variant type: single nucleotide variant.
Coding change: c.1186G>A on transcript NM_007259.5 (MANE Select); coding-DNA position 1186, G replaced by A.
Protein change: p.Glu396Lys; replaces glutamic acid 396 with lysine.
Molecular consequence: missense variant. On other transcripts: non-coding transcript variant (1).
Genome position (GRCh38, 1-based): chr1:150,092,018, G>A. VCF-style: chr1-150092018-G-A. GRCh37 (hg19) VCF-style: chr1-150064112-G-A.
Other names: c.871G>A, p.Glu291Lys (NM_001279353.2); c.1078G>A, p.Glu360Lys (NM_001279354.2); short protein forms E396K, E360K, E291K.
Identifiers: ClinVar variation 1470258 (VCV001470258.5), dbSNP rs1656350811, ClinGen allele CA342255354.
Genomic context (GRCh38, chr1:150,092,018, plus strand): 5'-AACCCCAAAGTGACAGAGTTTGATGCTGCCCGCCTGGTGATGCTTTATGCTTTACATTAT[G>A]AGCGACACAGCAGCAATAGCCTGCCAGGACTAATGATGGACCTCAGGAATAAAGGTGTTT-3'
Protein context (NP_009190.2, residues 386-406): RLVMLYALHY[Glu396Lys]RHSSNSLPGL

ClinVar aggregate classification (germline): Uncertain significance (1 of 4 stars; one submission).

Conditions:
Congenital neutropenia-myelofibrosis-nephromegaly syndrome. Also called: Severe congenital neutropenia 5, autosomal recessive. Identifiers: Orphanet 369852, MedGen C3809031, MONDO:0014118, OMIM 615285.

Allele frequency attached by ClinVar (database versions not stated): gnomAD exomes below 0.00001.
gnomAD v4.1: 3 of 1,614,082 alleles (0.00019%); highest among the groups gnomAD compares: Non-Finnish European, 0.00025%; no homozygotes.

Submission:

Labcorp Genetics (formerly Invitae), Labcorp
Classification: Uncertain significance for Congenital neutropenia-myelofibrosis-nephromegaly syndrome. Last evaluated: 2022-07-19. Review status: criteria provided, single submitter. Criteria: Invitae Variant Classification Sherloc (09022015). Collection method: clinical testing. Allele origin: germline.
Comment: This sequence change replaces glutamic acid, which is acidic and polar, with lysine, which is basic and polar, at codon 396 of the VPS45 protein (p.Glu396Lys). This variant is not present in population databases (gnomAD no frequency). This variant has not been reported in the literature in individuals affected with VPS45-related conditions. ClinVar contains an entry for this variant (Variation ID: 1470258). Algorithms developed to predict the effect of missense changes on protein structure and function (SIFT, PolyPhen-2, Align-GVGD) all suggest that this variant is likely to be tolerated. In summary, the available evidence is currently insufficient to determine the role of this variant in disease. Therefore, it has been classified as a Variant of Uncertain Significance.